The following is an entry in ClinVar:

ClinVar aggregate classification (germline): Uncertain significance (1 of 4 stars; one submission).

Conditions:
Glycogen storage disease type III (GSD3). Also called: Cori disease; FORBES DISEASE. Identifiers: Orphanet 366, MedGen C0017922, MONDO:0009291, OMIM 232400.

gnomAD v4.1: 5 of 1,614,026 alleles (0.00031%); highest among the groups gnomAD compares: Non-Finnish European, 0.00042%; no homozygotes.

Submission:

Labcorp Genetics (formerly Invitae), Labcorp
Classification: Uncertain significance for Glycogen storage disease type III. Last evaluated: 2022-07-19. Review status: criteria provided, single submitter. Criteria: Invitae Variant Classification Sherloc (09022015). Collection method: clinical testing. Allele origin: germline.
Comment: Algorithms developed to predict the effect of missense changes on protein structure and function are either unavailable or do not agree on the potential impact of this missense change (SIFT: "Deleterious"; PolyPhen-2: "Possibly Damaging"; Align-GVGD: "Class C0"). In summary, the available evidence is currently insufficient to determine the role of this variant in disease. Therefore, it has been classified as a Variant of Uncertain Significance. This variant has not been reported in the literature in individuals affected with AGL-related conditions. This variant is not present in population databases (gnomAD no frequency). This sequence change replaces phenylalanine, which is neutral and non-polar, with leucine, which is neutral and non-polar, at codon 621 of the AGL protein (p.Phe621Leu).

NM_000642.3(AGL):c.1863T>G (p.Phe621Leu)

Gene: AGL (amylo-alpha-1,6-glucosidase and 4-alpha-glucanotransferase; plus strand). Cytogenetic location: 1p21.2.
Variant type: single nucleotide variant.
Coding change: c.1863T>G on transcript NM_000642.3 (MANE Select); coding-DNA position 1863, T replaced by G.
Protein change: p.Phe621Leu; replaces phenylalanine 621 with leucine.
Molecular consequence: missense variant.
Genome position (GRCh38, 1-based): chr1:99,880,759, T>G. VCF-style: chr1-99880759-T-G. GRCh37 (hg19) VCF-style: chr1-100346315-T-G.
Other names: c.1863T>G, p.Phe621Leu (NM_000028.3, NM_000643.3, NM_000644.3 and 2 more transcripts); c.1815T>G, p.Phe605Leu (NM_000646.3); c.1662T>G, p.Phe554Leu (NM_001425327.1); c.1659T>G, p.Phe553Leu (NM_001425328.1, NM_001425329.1); c.1485T>G, p.Phe495Leu (NM_001425332.1); short protein forms F621L, F605L, F495L, F553L, F554L.
Identifiers: ClinVar variation 2059440 (VCV002059440.4), dbSNP rs1651948236, ClinGen allele CA341316961.
Genomic context (GRCh38, chr1:99,880,759, plus strand): 5'-TGGATCCTTTGTTCAGCCCTGTTTGAGGCCTTTAATGCCAGCTATTGCACATGCCCTGTT[T>G]ATGGATATTACGCATGATAATGAGTGTCCTATTGTGGTAAGCACCTAATCTTTTTCATGT-3'
Protein context (NP_000633.2, residues 611-631): PLMPAIAHAL[Phe621Leu]MDITHDNECP